The following is an entry in ClinVar:

NM_018979.4(WNK1):c.6262C>G (p.Gln2088Glu)

Gene: WNK1 (WNK lysine deficient protein kinase 1; plus strand). Cytogenetic location: 12p13.33.
Variant type: single nucleotide variant.
Coding change: c.6262C>G on transcript NM_018979.4 (MANE Select); coding-DNA position 6262, C replaced by G.
Protein change: p.Gln2088Glu; replaces glutamine 2088 with glutamic acid.
Molecular consequence: missense variant.
Genome position (GRCh38, 1-based): chr12:897,495, C>G. VCF-style: chr12-897495-C-G. GRCh37 (hg19) VCF-style: chr12-1006661-C-G.
Other names: c.7042C>G, p.Gln2348Glu (NM_001184985.2); c.5518C>G, p.Gln1840Glu (NM_014823.3); c.7018C>G, p.Gln2340Glu (NM_213655.5); short protein forms Q2088E, Q2340E, Q1840E, Q2348E.
Identifiers: ClinVar variation 2158792 (VCV002158792.4), dbSNP rs144438463, ClinGen allele CA6383373.
Genomic context (GRCh38, chr12:897,495, plus strand): 5'-AGAGGATTATGGTATTTTGAATTATGTTTGGTTATCTTTCACAGACATCTCAAAGAGATT[C>G]AGGACCTGCAGAGTCGCCAGAAGCATGAAATTGAATCTTTGTATACCAAACTGGGCAAGG-3'
Protein context (NP_061852.3, residues 2078-2098): RLRDKHLKEI[Gln2088Glu]DLQSRQKHEI

ClinVar aggregate classification (germline): Uncertain significance (1 of 4 stars; one submission).

Conditions:
Neuropathy, hereditary sensory and autonomic, type 2A (HSAN2A). Also called: ACROOSTEOLYSIS, GIACCAI TYPE; ACROOSTEOLYSIS, NEUROGENIC; MORVAN DISEASE; NEUROPATHY, CONGENITAL SENSORY; NEUROPATHY, HEREDITARY SENSORY RADICULAR, AUTOSOMAL RECESSIVE; NEUROPATHY, HEREDITARY SENSORY, TYPE IIA. Identifiers: Orphanet 970, MedGen C2752089, MONDO:0024309, OMIM 201300.
Pseudohypoaldosteronism type 2C (PHA2C). Also called: Pseudohypoaldosteronism Type IIC. Identifiers: Orphanet 757, Orphanet 88940, MedGen C1840391, MONDO:0013778, OMIM 614492.

Allele frequency attached by ClinVar (database versions not stated): ExAC 0.00001; gnomAD 0.00001; TOPMed 0.00001; ESP Exome Variant Server 0.00008.
gnomAD v4.1: 1 of 1,600,014 alleles (0.000062%); highest among the groups gnomAD compares: African/African-American, 0.0013%; no homozygotes.

Submission:

Labcorp Genetics (formerly Invitae), Labcorp
Classification: Uncertain significance for Neuropathy, hereditary sensory and autonomic, type 2A; Pseudohypoaldosteronism type 2C. Last evaluated: 2022-06-12. Review status: criteria provided, single submitter. Criteria: Invitae Variant Classification Sherloc (09022015). Collection method: clinical testing. Allele origin: germline.
Comment: In summary, the available evidence is currently insufficient to determine the role of this variant in disease. Therefore, it has been classified as a Variant of Uncertain Significance. Advanced modeling of protein sequence and biophysical properties (such as structural, functional, and spatial information, amino acid conservation, physicochemical variation, residue mobility, and thermodynamic stability) performed at Invitae indicates that this missense variant is not expected to disrupt WNK1 protein function. This variant has not been reported in the literature in individuals affected with WNK1-related conditions. This variant is not present in population databases (gnomAD no frequency). This sequence change replaces glutamine, which is neutral and polar, with glutamic acid, which is acidic and polar, at codon 2340 of the WNK1 protein (p.Gln2340Glu).